The following is an entry in ClinVar:

ClinVar aggregate classification (germline): Uncertain significance (1 of 4 stars; one submission).

Submission:

Labcorp Genetics (formerly Invitae), Labcorp
Classification: Uncertain significance. Last evaluated: 2022-01-13. Review status: criteria provided, single submitter. Criteria: Invitae Variant Classification Sherloc (09022015). Collection method: clinical testing. Allele origin: germline.
Comment: This variant has not been reported in the literature in individuals affected with C8orf37-related conditions. This variant is not present in population databases (gnomAD no frequency). This sequence change replaces alanine, which is neutral and non-polar, with valine, which is neutral and non-polar, at codon 45 of the C8orf37 protein (p.Ala45Val). ClinVar contains an entry for this variant (Variation ID: 1040646). In summary, the available evidence is currently insufficient to determine the role of this variant in disease. Therefore, it has been classified as a Variant of Uncertain Significance. Algorithms developed to predict the effect of missense changes on protein structure and function (SIFT, PolyPhen-2, Align-GVGD) all suggest that this variant is likely to be tolerated.

NM_177965.4(CFAP418):c.134C>T (p.Ala45Val)

Genes: CFAP418 (cilia and flagella associated protein 418; minus strand), CFAP418-AS1 (CFAP418 antisense RNA 1; plus strand), LOC130000784 (ATAC-STARR-seq lymphoblastoid active region 27655; plus strand). Cytogenetic location: 8q22.1.
Variant type: single nucleotide variant.
Coding change: c.134C>T on transcript NM_177965.4 (MANE Select); coding-DNA position 134, C replaced by T.
Protein change: p.Ala45Val; replaces alanine 45 with valine.
Molecular consequence: missense variant.
Genome position (GRCh38, 1-based): chr8:95,269,056, G>A on the plus strand (C>T on the coding strand, the complement: CFAP418 is on the minus strand). VCF-style: chr8-95269056-G-A. GRCh37 (hg19) VCF-style: chr8-96281284-G-A.
Other names: c.134C>T, p.Ala45Val (NM_001363260.1); short protein forms A45V.
Identifiers: ClinVar variation 1040646 (VCV001040646.9), dbSNP rs1197547920, ClinGen allele CA371837772.
Genomic context (GRCh38, chr8:95,269,056, plus strand): 5'-GGCTTTACCAGAACAGTCCACCCCTCCCGCCCGGTTAACCTGAGCGTCTCTTTCGCCTTG[G>A]CTTGGTTCCGGTCGCTACTGTGGGTGCCGCCGCCGCAGCCTTTGGGCTGCTCGACCATAC-3'
Protein context (NP_808880.1, residues 35-55): GGTHSSDRNQ[Ala45Val]KAKETLRSTE